The following is an entry in ClinVar:

NM_000406.3(GNRHR):c.*2663G>T

Gene: GNRHR (gonadotropin releasing hormone receptor; minus strand). Cytogenetic location: 4q13.2.
Variant type: single nucleotide variant.
Coding change: c.*2663G>T on transcript NM_000406.3 (MANE Select); 2663 bases downstream of the stop codon, G replaced by T.
Molecular consequence: 3 prime UTR variant.
Genome position (GRCh38, 1-based): chr4:67,737,817, C>A on the plus strand (G>T on the coding strand, the complement: GNRHR is on the minus strand). VCF-style: chr4-67737817-C-A. GRCh37 (hg19) VCF-style: chr4-68603535-C-A.
Other names: c.*2772G>T (NM_001012763.2).
Identifiers: ClinVar variation 349420 (VCV000349420.5), dbSNP rs1038426, ClinGen allele CA10618143.
Genomic context (GRCh38, chr4:67,737,817, plus strand): 5'-ATTCCATTTTTAACTAGTTTTATAGGCTAAGTAAAGGAAGAGAAACCAAGATAGAATCTC[C>A]AATATCTGATATATTAGATTGACTCTGTGGAACATTTCCTTTTTTACAAGGAGTCCTCAC-3'

ClinVar aggregate classification (germline): Benign (1 of 4 stars; one submission).

Conditions:
Hypogonadotropic hypogonadism 7 with or without anosmia (HH7). Also called: HYPOGONADOTROPIC HYPOGONADISM 7 WITHOUT ANOSMIA; GNRHR-Related GnRH Deficiency. Identifiers: Orphanet 432, MedGen C0342384, MONDO:0007794, OMIM 146110.

Allele frequency attached by ClinVar (database versions not stated): 1000 Genomes Project 0.34525; 1000 Genomes Project 30x 0.34900; gnomAD 0.37716; TOPMed 0.38802.
gnomAD v4.1: 58,386 of 151,446 alleles (39%); highest among the groups gnomAD compares: Middle Eastern, 52%; 11,360 homozygotes.

Submission:

Illumina Laboratory Services, Illumina
Classification: Benign for Hypogonadotropic hypogonadism 7 with or without anosmia. Last evaluated: 2018-03-06. Review status: criteria provided, single submitter. Criteria: ICSL Variant Classification Criteria 13 December 2019. Collection method: clinical testing. Allele origin: germline.
Comment: This variant was observed in the ICSL laboratory as part of a predisposition screen in an ostensibly healthy population. It had not been previously curated by ICSL or reported in the Human Gene Mutation Database (HGMD: prior to June 1st, 2018), and was therefore a candidate for classification through an automated scoring system. Utilizing variant allele frequency, disease prevalence and penetrance estimates, and inheritance mode, an automated score was calculated to assess if this variant is too frequent to cause the disease. Based on the score and internal cut-off values, a variant classified as benign is not then subjected to further curation. The score for this variant resulted in a classification of benign for this disease.